The following is an entry in ClinVar:

NM_001278293.3(ARL6):c.366A>C (p.Arg122=)

Gene: ARL6 (ARF like GTPase 6; plus strand). Cytogenetic location: 3q11.2.
Variant type: single nucleotide variant.
Coding change: c.366A>C on transcript NM_001278293.3 (MANE Select); coding-DNA position 366, A replaced by C.
Protein change: p.Arg122=; no amino-acid change (arginine 122 retained).
Molecular consequence: synonymous variant. On other transcripts: non-coding transcript variant (7).
Genome position (GRCh38, 1-based): chr3:97,788,006, A>C. VCF-style: chr3-97788006-A-C. GRCh37 (hg19) VCF-style: chr3-97506850-A-C.
Other names: c.366A>C, p.Arg122= (NM_001323513.2, NM_001323514.2, NM_032146.5 and 1 more transcripts).
Identifiers: ClinVar variation 5001487 (VCV005001487.1).

ClinVar aggregate classification (germline): Likely benign (1 of 4 stars; one submission).

Conditions:
ARL6-related disorder. Also called: ARL6-related condition.

Submission:

PreventionGenetics, part of Exact Sciences
Classification: Likely benign for ARL6-related condition. Last evaluated: 2024-12-20. Review status: criteria provided, single submitter. Criteria: ACMG Guidelines, 2015. Collection method: clinical testing. Allele origin: germline.
Comment: This variant is classified as likely benign based on ACMG/AMP sequence variant interpretation guidelines (Richards et al. 2015 PMID: 25741868, with internal and published modifications).